The following is an entry in ClinVar:

ClinVar aggregate classification (germline): Uncertain significance. Review status: criteria provided, multiple submitters, no conflicts (2 of 4 stars). 2 submissions from 2 submitters: Uncertain significance (2). Last evaluated 2024-10-20.

Conditions:
Hereditary cancer-predisposing syndrome. Also called: Neoplastic Syndromes, Hereditary; Tumor predisposition; Hereditary neoplastic syndrome; Hereditary Cancer Syndrome. Identifiers: Orphanet 140162, MedGen C0027672, MeSH D009386, MONDO:0015356.
Gorlin syndrome. Also called: Basal cell nevus syndrome; Nevoid Basal Cell Carcinoma Syndrome. Identifiers: Orphanet 377, MedGen C0004779, MONDO:0007187.
Medulloblastoma (MDB). Also called: MEDULLOBLASTOMA PREDISPOSITION SYNDROME; Medulloblastoma, somatic. Identifiers: Orphanet 616, MedGen C0025149, MeSH D008527, MONDO:0007959, OMIM 155255, HP:0002885.

Allele frequency attached by ClinVar (database versions not stated): gnomAD exomes below 0.00001; TOPMed below 0.00001.
gnomAD v4.1: 1 of 1,614,232 alleles (0.000062%); highest among the groups gnomAD compares: Non-Finnish European, 0.000085%; no homozygotes.

Submissions (2):

Labcorp Genetics (formerly Invitae), Labcorp
Classification: Uncertain significance for Gorlin syndrome; Medulloblastoma. Last evaluated: 2024-10-20. Review status: criteria provided, single submitter. Criteria: Invitae Variant Classification Sherloc (09022015). Collection method: clinical testing. Allele origin: germline.
Comment: This sequence change replaces valine, which is neutral and non-polar, with alanine, which is neutral and non-polar, at codon 77 of the SUFU protein (p.Val77Ala). This variant is not present in population databases (gnomAD no frequency). This variant has not been reported in the literature in individuals affected with SUFU-related conditions. ClinVar contains an entry for this variant (Variation ID: 1789420). Invitae Evidence Modeling of protein sequence and biophysical properties (such as structural, functional, and spatial information, amino acid conservation, physicochemical variation, residue mobility, and thermodynamic stability) indicates that this missense variant is not expected to disrupt SUFU protein function with a negative predictive value of 80%. In summary, the available evidence is currently insufficient to determine the role of this variant in disease. Therefore, it has been classified as a Variant of Uncertain Significance.

Ambry Genetics
Classification: Uncertain significance for Hereditary cancer-predisposing syndrome. Last evaluated: 2022-04-05. Review status: criteria provided, single submitter. Criteria: Ambry Variant Classification Scheme 2023. Collection method: clinical testing. Allele origin: germline.
Comment: The p.V77A variant (also known as c.230T>C), located in coding exon 2 of the SUFU gene, results from a T to C substitution at nucleotide position 230. The valine at codon 77 is replaced by alanine, an amino acid with similar properties. This amino acid position is conserved. In addition, this alteration is predicted to be tolerated by in silico analysis. Since supporting evidence is limited at this time, the clinical significance of this alteration remains unclear.

NM_016169.4(SUFU):c.230T>C (p.Val77Ala)

Gene: SUFU (SUFU negative regulator of hedgehog signaling; plus strand). Cytogenetic location: 10q24.32.
Variant type: single nucleotide variant.
Coding change: c.230T>C on transcript NM_016169.4 (MANE Select); coding-DNA position 230, T replaced by C.
Protein change: p.Val77Ala; replaces valine 77 with alanine.
Molecular consequence: missense variant.
Genome position (GRCh38, 1-based): chr10:102,509,216, T>C. VCF-style: chr10-102509216-T-C. GRCh37 (hg19) VCF-style: chr10-104268973-T-C.
Other names: c.230T>C, p.Val77Ala (NM_001178133.2); short protein forms V77A.
Identifiers: ClinVar variation 1789420 (VCV001789420.7), dbSNP rs2062368650, ClinGen allele CA377888554.